The following is an entry in ClinVar:

NM_002204.4(ITGA3):c.1510G>A (p.Gly504Arg)

Gene: ITGA3 (integrin subunit alpha 3; plus strand). Cytogenetic location: 17q21.33.
Variant type: single nucleotide variant.
Coding change: c.1510G>A on transcript NM_002204.4 (MANE Select); coding-DNA position 1510, G replaced by A.
Protein change: p.Gly504Arg; replaces glycine 504 with arginine.
Molecular consequence: missense variant.
Genome position (GRCh38, 1-based): chr17:50,075,499, G>A. VCF-style: chr17-50075499-G-A. GRCh37 (hg19) VCF-style: chr17-48152863-G-A.
Other names: short protein forms G504R.
Identifiers: ClinVar variation 4982993 (VCV004982993.1).

ClinVar aggregate classification (germline): Uncertain significance (1 of 4 stars; one submission).

Conditions:
ITGA3-related disorder. Also called: ITGA3-related condition.

gnomAD v4.1: 82 of 1,614,080 alleles (0.0051%); highest among the groups gnomAD compares: Non-Finnish European, 0.0061%; no homozygotes.

Submission:

PreventionGenetics, part of Exact Sciences
Classification: Uncertain significance for ITGA3-related condition. Last evaluated: 2026-02-27. Review status: criteria provided, single submitter. Criteria: ACMG Guidelines, 2015. Collection method: clinical testing. Allele origin: germline.
Comment: The ITGA3 c.1510G>A variant is predicted to result in the amino acid substitution p.Gly504Arg. To our knowledge, this variant has not been reported in the literature. This variant is reported in 0.0054% of alleles in individuals of European (Non-Finnish) descent in gnomAD. At this time, the clinical significance of this variant is uncertain due to the absence of conclusive functional and genetic evidence.